The following is an entry in ClinVar:

NM_017649.5(CNNM2):c.2468A>G (p.Lys823Arg)

Gene: CNNM2 (cyclin and CBS domain divalent metal cation transport mediator 2; plus strand). Cytogenetic location: 10q24.32.
Variant type: single nucleotide variant.
Coding change: c.2468A>G on transcript NM_017649.5 (MANE Select); coding-DNA position 2468, A replaced by G.
Protein change: p.Lys823Arg; replaces lysine 823 with arginine.
Molecular consequence: missense variant.
Genome position (GRCh38, 1-based): chr10:103,077,020, A>G. VCF-style: chr10-103077020-A-G. GRCh37 (hg19) VCF-style: chr10-104836777-A-G.
Other names: c.2402A>G, p.Lys801Arg (NM_199076.3); short protein forms K801R, K823R.
Identifiers: ClinVar variation 3250665 (VCV003250665.18), dbSNP rs1564873556.

ClinVar aggregate classification (germline): Uncertain significance (1 of 4 stars; one submission).

gnomAD v4.1: 5 of 1,613,984 alleles (0.00031%); highest among the groups gnomAD compares: Non-Finnish European, 0.00034%; no homozygotes.

Submission:

CeGaT Center for Human Genetics Tuebingen
Classification: Uncertain significance. Last evaluated: 2024-06-01. Review status: criteria provided, single submitter. Criteria: CeGaT Center For Human Genetics Tuebingen Variant Classification Criteria Version 2. Collection method: clinical testing. Allele origin: germline. Affected: yes. Observed: 1 variant allele.
Comment: CNNM2: PM2, PP2